The following is an entry in ClinVar:

NM_025114.4(CEP290):c.2455C>A (p.Gln819Lys)

Gene: CEP290 (centrosomal protein 290; minus strand). Cytogenetic location: 12q21.32.
Variant type: single nucleotide variant.
Coding change: c.2455C>A on transcript NM_025114.4 (MANE Select); coding-DNA position 2455, C replaced by A.
Protein change: p.Gln819Lys; replaces glutamine 819 with lysine.
Molecular consequence: missense variant.
Genome position (GRCh38, 1-based): chr12:88,109,094, G>T on the plus strand (C>A on the coding strand, the complement: CEP290 is on the minus strand). VCF-style: chr12-88109094-G-T. GRCh37 (hg19) VCF-style: chr12-88502871-G-T.
Other names: short protein forms Q819K.
Identifiers: ClinVar variation 1355564 (VCV001355564.8), dbSNP rs2137662565, ClinGen allele CA385972654.
Genomic context (GRCh38, chr12:88,109,094, plus strand): 5'-AATTATATTTATAGTTTTGCTAATACCTATACCTTAGGTATTCTTTATACAACAAACTTT[G>T]TTGATGACGAATTACAGCAAATTTTCTGTTGTAATCTTCAAGAGAATCTTCTAAATTCTT-3'
Protein context (NP_079390.3, residues 809-829): NRKFAVIRHQ[Gln819Lys]SLLYKEYLSE

ClinVar aggregate classification (germline): Uncertain significance (1 of 4 stars; one submission).

Conditions:
Joubert syndrome. Also called: CEREBELLOPARENCHYMAL DISORDER IV; JOUBERT-BOLTSHAUSER SYNDROME; Familial aplasia of the vermis. Identifiers: Orphanet 475, MedGen C5979921, MONDO:0018772.
Nephronophthisis. Also called: Juvenile Nephronophthisis. Identifiers: Orphanet 655, MedGen C0687120, MONDO:0019005, HP:0000090.
Meckel-Gruber syndrome. Also called: DYSENCEPHALIA SPLANCHNOCYSTICA; GRUBER SYNDROME; Dysencephalia splachnocystica. Identifiers: Orphanet 564, MedGen C0265215, MONDO:0018921.

Submission:

Labcorp Genetics (formerly Invitae), Labcorp
Classification: Uncertain significance for Joubert syndrome; Meckel-Gruber syndrome; Nephronophthisis. Last evaluated: 2024-04-16. Review status: criteria provided, single submitter. Criteria: Invitae Variant Classification Sherloc (09022015). Collection method: clinical testing. Allele origin: germline.
Comment: This sequence change replaces glutamine, which is neutral and polar, with lysine, which is basic and polar, at codon 819 of the CEP290 protein (p.Gln819Lys). This variant is not present in population databases (gnomAD no frequency). This variant has not been reported in the literature in individuals affected with CEP290-related conditions. ClinVar contains an entry for this variant (Variation ID: 1355564). Advanced modeling of protein sequence and biophysical properties (such as structural, functional, and spatial information, amino acid conservation, physicochemical variation, residue mobility, and thermodynamic stability) performed at Invitae indicates that this missense variant is expected to disrupt CEP290 protein function with a positive predictive value of 80%. In summary, the available evidence is currently insufficient to determine the role of this variant in disease. Therefore, it has been classified as a Variant of Uncertain Significance.